The following is an entry in ClinVar:

NM_014795.3:c.1439_1440insAlu

Gene: ZEB2 (zinc finger E-box binding homeobox 2; minus strand).
Variant type: Insertion.
Identifiers: ClinVar variation 2578393 (VCV002578393.1).

ClinVar aggregate classification (germline): Pathogenic (1 of 4 stars; one submission).

Conditions:
Mowat-Wilson syndrome (MOWS). Also called: Classic Mowat-Wilson Syndrome. Identifiers: Orphanet 2152, MedGen C1856113, MONDO:0009341, OMIM 235730.

Submission:

Department of Clinical Genetics, Copenhagen University Hospital, Rigshospitalet
Classification: Pathogenic for Mowat-Wilson syndrome. Last evaluated: 2022-06-14. Review status: criteria provided, single submitter. Criteria: ACMG Guidelines, 2015. Collection method: clinical testing. Allele origin: de novo. Affected: yes. Observed: 1 variant allele.
Comment: AluYa5 insertion (approximately 330 bp) in exon 8